The following is an entry in ClinVar:

NM_006206.6(PDGFRA):c.1354G>C (p.Asp452His)

Gene: PDGFRA (platelet derived growth factor receptor alpha; plus strand). Cytogenetic location: 4q12.
Variant type: single nucleotide variant.
Coding change: c.1354G>C on transcript NM_006206.6 (MANE Select); coding-DNA position 1354, G replaced by C.
Protein change: p.Asp452His; replaces aspartic acid 452 with histidine.
Molecular consequence: missense variant.
Genome position (GRCh38, 1-based): chr4:54,272,510, G>C. VCF-style: chr4-54272510-G-C. GRCh37 (hg19) VCF-style: chr4-55138677-G-C.
Other names: c.1354G>C, p.Asp452His (NM_001347827.2, NM_001347829.2); c.1429G>C, p.Asp477His (NM_001347828.2); c.1393G>C, p.Asp465His (NM_001347830.2); short protein forms D452H, D465H, D477H.
Identifiers: ClinVar variation 2754127 (VCV002754127.4), dbSNP rs1204540280, ClinGen allele CA356892376.
Genomic context (GRCh38, chr4:54,272,510, plus strand): 5'-ACGGTGAGGTGCACAGCTGAAGGCACGCCGCTTCCTGATATTGAGTGGATGATATGCAAA[G>C]ATATTAAGAAGTATGGAAAACAGATGTGTCTTCTTCTTTCGTGGTCAGAATATTTCTCCC-3'
Protein context (NP_006197.1, residues 442-462): LPDIEWMICK[Asp452His]IKKCNNETSW

ClinVar aggregate classification (germline): Uncertain significance. Review status: criteria provided, multiple submitters, no conflicts (2 of 4 stars). 2 submissions from 2 submitters: Uncertain significance (2). Last evaluated 2026-07-07.

Conditions:
Gastrointestinal stromal tumor. Also called: Gastrointestinal stroma tumor; Gastrointestinal stromal tumor, somatic. Identifiers: Orphanet 44890, MedGen C0238198, MeSH D046152, MONDO:0011719, OMIM 606764, HP:0100723.
Hereditary cancer-predisposing syndrome. Also called: Hereditary Cancer Syndrome; Hereditary neoplastic syndrome; Neoplastic Syndromes, Hereditary; Tumor predisposition. Identifiers: Orphanet 140162, MedGen C0027672, MeSH D009386, MONDO:0015356.

gnomAD v4.1: 2 of 1,614,018 alleles (0.00012%); highest among the groups gnomAD compares: Non-Finnish European, 0.00017%; no homozygotes.

Submissions (2):

Ambry Genetics
Classification: Uncertain significance for Hereditary cancer-predisposing syndrome. Last evaluated: 2026-07-07. Review status: criteria provided, single submitter. Criteria: Ambry Variant Classification Scheme 2023. Collection method: clinical testing. Allele origin: germline.
Comment: The p.D452H variant (also known as c.1354G>C), located in coding exon 8 of the PDGFRA gene, results from a G to C substitution at nucleotide position 1354. The aspartic acid at codon 452 is replaced by histidine, an amino acid with similar properties. This amino acid position is conserved. In addition, this alteration is predicted to be tolerated by in silico analysis. Based on the available evidence, the clinical significance of this variant remains unclear.

Labcorp Genetics (formerly Invitae), Labcorp
Classification: Uncertain significance for Gastrointestinal stromal tumor. Last evaluated: 2023-08-20. Review status: criteria provided, single submitter. Criteria: Invitae Variant Classification Sherloc (09022015). Collection method: clinical testing. Allele origin: germline.
Comment: This sequence change replaces aspartic acid, which is acidic and polar, with histidine, which is basic and polar, at codon 452 of the PDGFRA protein (p.Asp452His). This variant is not present in population databases (gnomAD no frequency). This variant has not been reported in the literature in individuals affected with PDGFRA-related conditions. Advanced modeling of protein sequence and biophysical properties (such as structural, functional, and spatial information, amino acid conservation, physicochemical variation, residue mobility, and thermodynamic stability) performed at Invitae indicates that this missense variant is not expected to disrupt PDGFRA protein function. In summary, the available evidence is currently insufficient to determine the role of this variant in disease. Therefore, it has been classified as a Variant of Uncertain Significance.